The following is an entry in ClinVar:

ClinVar aggregate classification (germline): Uncertain significance. Review status: criteria provided, multiple submitters, no conflicts (2 of 4 stars). 2 submissions from 2 submitters: Uncertain significance (2). Last evaluated 2025-11-08.

Conditions:
Inborn genetic diseases. Identifiers: MedGen C0950123, MeSH D030342.

Submissions (2):

Ambry Genetics
Classification: Uncertain significance for Inborn genetic diseases. Last evaluated: 2025-11-08. Review status: criteria provided, single submitter. Criteria: Ambry Variant Classification Scheme 2023. Collection method: clinical testing. Allele origin: germline.

Labcorp Genetics (formerly Invitae), Labcorp
Classification: Uncertain significance. Last evaluated: 2025-10-11. Review status: criteria provided, single submitter. Criteria: Invitae Variant Classification Sherloc (09022015). Collection method: clinical testing. Allele origin: germline.
Comment: This sequence change replaces threonine, which is neutral and polar, with alanine, which is neutral and non-polar, at codon 414 of the TNFRSF11A protein (p.Thr414Ala). This variant is not present in population databases (gnomAD no frequency). This variant has not been reported in the literature in individuals affected with TNFRSF11A-related conditions. An algorithm developed to predict the effect of missense changes on protein structure and function (PolyPhen-2) suggests that this variant is likely to be tolerated. In summary, the available evidence is currently insufficient to determine the role of this variant in disease. Therefore, it has been classified as a Variant of Uncertain Significance.

NM_003839.4(TNFRSF11A):c.1240A>G (p.Thr414Ala)

Gene: TNFRSF11A (TNF receptor superfamily member 11a; plus strand). Cytogenetic location: 18q21.33.
Variant type: single nucleotide variant.
Coding change: c.1240A>G on transcript NM_003839.4 (MANE Select); coding-DNA position 1240, A replaced by G.
Protein change: p.Thr414Ala; replaces threonine 414 with alanine.
Molecular consequence: missense variant. On other transcripts: intron variant (3).
Genome position (GRCh38, 1-based): chr18:62,369,157, A>G. VCF-style: chr18-62369157-A-G. GRCh37 (hg19) VCF-style: chr18-60036390-A-G.
Other names: c.1198A>G, p.Thr400Ala (NM_001278268.2); c.783+2397A>G (NM_001270949.2); c.730+7364A>G (NM_001270950.2); c.616+9108A>G (NM_001270951.2); short protein forms T400A, T414A.
Identifiers: ClinVar variation 4633315 (VCV004633315.2).